The following is an entry in ClinVar:

NC_000016.10:g.(?_8764049)_(8811733_?)dup

Genes: ABAT (4-aminobutyrate aminotransferase; plus strand), PMM2 (phosphomannomutase 2; plus strand), TMEM186 (transmembrane protein 186; minus strand). Cytogenetic location: 16p13.2.
Variant type: Duplication.
Identifiers: ClinVar variation 830967 (VCV000830967.8).

ClinVar aggregate classification (germline): Uncertain significance. Review status: criteria provided, single submitter (1 of 4 stars). 2 submissions from 1 submitter: Uncertain significance (2). Last evaluated 2022-07-01.

Conditions:
PMM2-congenital disorder of glycosylation. Also called: PMM2-CDG; CDG Ia; Congenital disorder of glycosylation, type Ia; JAEKEN SYNDROME; PHOSPHOMANNOMUTASE 2 DEFICIENCY; CARBOHYDRATE-DEFICIENT GLYCOPROTEIN SYNDROME, TYPE Ia. Identifiers: Orphanet 79318, MedGen C0349653, MONDO:0008907, OMIM 212065.
Gamma-aminobutyric acid transaminase deficiency (GABATD). Also called: GABA transaminase deficiency; Gamma aminobutyrate transaminase deficiency; 4 alpha aminobutyrate transaminase deficiency; GABA aminotransaminase deficiency. Identifiers: Orphanet 2066, MedGen C0342708, MONDO:0013166, OMIM 613163.

Submissions (2):

Labcorp Genetics (formerly Invitae), Labcorp
Classification: Uncertain significance for Gamma-aminobutyric acid transaminase deficiency. Last evaluated: 2022-07-01. Review status: criteria provided, single submitter. Criteria: Invitae Variant Classification Sherloc (09022015). Collection method: clinical testing. Allele origin: germline.
Comment: In summary, the available evidence is currently insufficient to determine the role of this variant in disease. Therefore, it has been classified as a Variant of Uncertain Significance. This variant has not been reported in the literature in individuals affected with ABAT-related conditions. This variant results in a copy number gain of the genomic region encompassing exon(s) 7-16 of the ABAT gene. This region includes the termination codon of the gene. This copy number gain extends beyond the assayed region for this gene and therefore may encompass additional genes. As the precise location of this event is unknown, it may be in tandem or it may be located elsewhere in the genome.

Labcorp Genetics (formerly Invitae), Labcorp
Classification: Uncertain significance for PMM2-congenital disorder of glycosylation. Last evaluated: 2022-07-01. Review status: criteria provided, single submitter. Criteria: Invitae Variant Classification Sherloc (09022015). Collection method: clinical testing. Allele origin: germline.
Comment: This variant results in a copy number gain of the genomic region encompassing exon(s) 1-6 of the PMM2 gene. This region includes the initiator codon of the gene. This copy number gain extends beyond the assayed region for this gene and therefore may encompass additional genes. As the precise location of this event is unknown, it may be in tandem or it may be located elsewhere in the genome. This variant has not been reported in the literature in individuals affected with PMM2-related conditions. In summary, the available evidence is currently insufficient to determine the role of this variant in disease. Therefore, it has been classified as a Variant of Uncertain Significance.